The following is an entry in ClinVar:

ClinVar aggregate classification (germline): Likely pathogenic (1 of 4 stars; one submission).

gnomAD v4.1: 6 of 1,557,112 alleles (0.00039%); highest among the groups gnomAD compares: South Asian, 0.007%; no homozygotes.

Submission:

Labcorp Genetics (formerly Invitae), Labcorp
Classification: Likely pathogenic. Last evaluated: 2024-11-27. Review status: criteria provided, single submitter. Criteria: Invitae Variant Classification Sherloc (09022015). Collection method: clinical testing. Allele origin: germline.
Comment: This sequence change affects an acceptor splice site in intron 8 of the C7 gene. It is expected to disrupt RNA splicing. Variants that disrupt the donor or acceptor splice site typically lead to a loss of protein function (PMID: 16199547), and loss-of-function variants in C7 are known to be pathogenic (PMID: 9856499, 17407100). The frequency data for this variant in the population databases is considered unreliable, as metrics indicate poor data quality at this position in the gnomAD database. This variant has not been reported in the literature in individuals affected with C7-related conditions. Algorithms developed to predict the effect of sequence changes on RNA splicing suggest that this variant may disrupt the consensus splice site. In summary, the currently available evidence indicates that the variant is pathogenic, but additional data are needed to prove that conclusively. Therefore, this variant has been classified as Likely Pathogenic.

Literature cited by the submitters: PubMed 16199547; PubMed 9856499; PubMed 17407100.

NM_000587.4(C7):c.983-1G>T

Gene: C7 (complement C7; plus strand). Cytogenetic location: 5p13.1.
Variant type: single nucleotide variant.
Coding change: c.983-1G>T on transcript NM_000587.4 (MANE Select); the canonical splice acceptor site of the intron before coding-DNA position 983, G replaced by T.
Molecular consequence: splice acceptor variant.
Genome position (GRCh38, 1-based): chr5:40,949,903, G>T. VCF-style: chr5-40949903-G-T. GRCh37 (hg19) VCF-style: chr5-40950005-G-T.
Identifiers: ClinVar variation 3695633 (VCV003695633.2).